The following is an entry in ClinVar:

NM_001366145.2(TRPM3):c.4780T>G (p.Cys1594Gly)

Genes: KLF9-DT (KLF9 divergent transcript; plus strand), TRPM3 (transient receptor potential cation channel subfamily M member 3; minus strand). Cytogenetic location: 9q21.12.
Variant type: single nucleotide variant.
Coding change: c.4780T>G on transcript NM_001366145.2 (MANE Select); coding-DNA position 4780, T replaced by G.
Protein change: p.Cys1594Gly; replaces cysteine 1594 with glycine.
Molecular consequence: missense variant. On other transcripts: intron variant (8).
Genome position (GRCh38, 1-based): chr9:70,536,333, A>C on the plus strand (T>G on the coding strand, the complement: TRPM3 is on the minus strand). VCF-style: chr9-70536333-A-C. GRCh37 (hg19) VCF-style: chr9-73151249-A-C.
Other names: c.4744T>G, p.Cys1582Gly (NM_001007471.4); c.4750T>G, p.Cys1584Gly (NM_001366141.2, NM_001366149.2); c.4855T>G, p.Cys1619Gly (NM_001366147.2); c.4285T>G, p.Cys1429Gly (NM_020952.6); c.4321T>G, p.Cys1441Gly (NM_024971.7); c.4255T>G, p.Cys1419Gly (NM_206944.5); c.4291T>G, p.Cys1431Gly (NM_206945.5); c.4360T>G, p.Cys1454Gly (NM_206946.5); and 9 more; short protein forms C1419G, C1429G, C1431G, C1441G, C1444G, C1454G, C1582G, C1584G.
Identifiers: ClinVar variation 3343527 (VCV003343527.1).

ClinVar aggregate classification (germline): Uncertain significance (1 of 4 stars; one submission).

Submission:

GeneDx
Classification: Uncertain significance. Last evaluated: 2023-05-22. Review status: criteria provided, single submitter. Criteria: GeneDx Variant Classification Process June 2021. Collection method: clinical testing. Allele origin: germline. Affected: yes.
Comment: In silico analysis supports that this missense variant has a deleterious effect on protein structure/function; Not observed at significant frequency in large population cohorts (gnomAD); Has not been previously published as pathogenic or benign to our knowledge